The following is an entry in ClinVar:

ClinVar aggregate classification (germline): Uncertain significance. Review status: criteria provided, multiple submitters, no conflicts (2 of 4 stars). 2 submissions from 2 submitters: Uncertain significance (2). Last evaluated 2022-10-26.

Conditions:
Cenani-Lenz syndactyly syndrome. Also called: CENANI SYNDACTYLISM; SYNDACTYLY, TYPE VII. Identifiers: Orphanet 3258, MedGen C1859309, MONDO:0008931, OMIM 212780.
Congenital myasthenic syndrome 17. Identifiers: Orphanet 590, MedGen C4225377, MONDO:0014578, OMIM 616304.
Sclerosteosis 2 (SOST2). Identifiers: Orphanet 3152, MedGen C3280402, MONDO:0013679, OMIM 614305.
Inborn genetic diseases. Identifiers: MedGen C0950123, MeSH D030342.

Allele frequency attached by ClinVar (database versions not stated): ExAC 0.00001; gnomAD 0.00001 and 0.00002; gnomAD exomes 0.00001; 1000 Genomes Project 0.00020; 1000 Genomes Project 30x 0.00031.
gnomAD v4.1: 26 of 1,610,000 alleles (0.0016%); highest among the groups gnomAD compares: Non-Finnish European, 0.0022%; no homozygotes.

Submissions (2):

Ambry Genetics
Classification: Uncertain significance for Inborn genetic diseases. Last evaluated: 2022-10-26. Review status: criteria provided, single submitter. Criteria: Ambry Variant Classification Scheme 2023. Collection method: clinical testing. Allele origin: germline.

Labcorp Genetics (formerly Invitae), Labcorp
Classification: Uncertain significance for Cenani-Lenz syndactyly syndrome; Sclerosteosis 2; Congenital myasthenic syndrome 17. Last evaluated: 2022-07-18. Review status: criteria provided, single submitter. Criteria: Invitae Variant Classification Sherloc (09022015). Collection method: clinical testing. Allele origin: germline.
Comment: This sequence change replaces proline, which is neutral and non-polar, with leucine, which is neutral and non-polar, at codon 106 of the LRP4 protein (p.Pro106Leu). This variant is present in population databases (rs556889686, gnomAD 0.002%). This variant has not been reported in the literature in individuals affected with LRP4-related conditions. ClinVar contains an entry for this variant (Variation ID: 955717). Algorithms developed to predict the effect of missense changes on protein structure and function are either unavailable or do not agree on the potential impact of this missense change (SIFT: "Deleterious"; PolyPhen-2: "Possibly Damaging"; Align-GVGD: "Class C0"). In summary, the available evidence is currently insufficient to determine the role of this variant in disease. Therefore, it has been classified as a Variant of Uncertain Significance.

NM_002334.4(LRP4):c.317C>T (p.Pro106Leu)

Gene: LRP4 (LDL receptor related protein 4; minus strand). Cytogenetic location: 11p11.2.
Variant type: single nucleotide variant.
Coding change: c.317C>T on transcript NM_002334.4 (MANE Select); coding-DNA position 317, C replaced by T.
Protein change: p.Pro106Leu; replaces proline 106 with leucine.
Molecular consequence: missense variant.
Genome position (GRCh38, 1-based): chr11:46,899,976, G>A on the plus strand (C>T on the coding strand, the complement: LRP4 is on the minus strand). VCF-style: chr11-46899976-G-A. GRCh37 (hg19) VCF-style: chr11-46921527-G-A.
Other names: short protein forms P106L.
Identifiers: ClinVar variation 955717 (VCV000955717.8), dbSNP rs556889686, ClinGen allele CA5970533.